The following is an entry in ClinVar:

ClinVar aggregate classification (germline): Uncertain significance (1 of 4 stars; one submission).

Submission:

GeneDx
Classification: Uncertain significance. Last evaluated: 2025-03-24. Review status: criteria provided, single submitter. Criteria: GeneDx Variant Classification Process June 2021. Collection method: clinical testing. Allele origin: germline. Affected: yes.
Comment: Not observed at significant frequency in large population cohorts (gnomAD); In silico analysis indicates that this missense variant does not alter protein structure/function; Has not been previously published as pathogenic or benign to our knowledge

NM_031407.7(HUWE1):c.5871T>G (p.His1957Gln)

Gene: HUWE1 (HECT, UBA and WWE domain containing E3 ubiquitin protein ligase 1; minus strand). Cytogenetic location: Xp11.22.
Variant type: single nucleotide variant.
Coding change: c.5871T>G on transcript NM_031407.7 (MANE Select); coding-DNA position 5871, T replaced by G.
Protein change: p.His1957Gln; replaces histidine 1957 with glutamine.
Molecular consequence: missense variant.
Genome position (GRCh38, 1-based): chrX:53,576,913, A>C on the plus strand (T>G on the coding strand, the complement: HUWE1 is on the minus strand). VCF-style: chrX-53576913-A-C. GRCh37 (hg19) VCF-style: chrX-53603873-A-C.
Other names: c.5871T>G, p.His1957Gln (NM_001441048.1, NM_001441049.1, NM_001441051.1 and 6 more transcripts); c.5892T>G, p.His1964Gln (NM_001441050.1, NM_001441055.1); short protein forms H1957Q, H1964Q.
Identifiers: ClinVar variation 4087797 (VCV004087797.1).